The following is an entry in ClinVar:

ClinVar aggregate classification (germline): Uncertain significance (1 of 4 stars; one submission).

Conditions:
Epilepsy, idiopathic generalized, susceptibility to, 13. Also called: EPILEPSY, JUVENILE MYOCLONIC, SUSCEPTIBILITY TO, 5. Identifiers: Orphanet 307, Orphanet 64280, MedGen C4013473, MONDO:0012627, OMIM 611136.
Epilepsy, childhood absence 4 (ECA4). Also called: EPILEPSY, CHILDHOOD ABSENCE, SUSCEPTIBILITY TO, 4. Identifiers: Orphanet 307, MedGen C1970160.
Idiopathic generalized epilepsy. Also called: EIG; Generalised epilepsy. Identifiers: MedGen C0270850, MONDO:0005579, OMIM 600669.

Submission:

Labcorp Genetics (formerly Invitae), Labcorp
Classification: Uncertain significance for Epilepsy, childhood absence 4; Epilepsy, idiopathic generalized, susceptibility to, 13; Idiopathic generalized epilepsy. Last evaluated: 2024-10-30. Review status: criteria provided, single submitter. Criteria: Invitae Variant Classification Sherloc (09022015). Collection method: clinical testing. Allele origin: germline.
Comment: This sequence change replaces phenylalanine, which is neutral and non-polar, with serine, which is neutral and polar, at codon 73 of the GABRA1 protein (p.Phe73Ser). This variant is not present in population databases (gnomAD no frequency). This variant has not been reported in the literature in individuals affected with GABRA1-related conditions. Invitae Evidence Modeling of protein sequence and biophysical properties (such as structural, functional, and spatial information, amino acid conservation, physicochemical variation, residue mobility, and thermodynamic stability) has been performed for this missense variant. However, the output from this modeling did not meet the statistical confidence thresholds required to predict the impact of this variant on GABRA1 protein function. In summary, the available evidence is currently insufficient to determine the role of this variant in disease. Therefore, it has been classified as a Variant of Uncertain Significance.

NM_001127644.2(GABRA1):c.218T>C (p.Phe73Ser)

Gene: GABRA1 (gamma-aminobutyric acid type A receptor subunit alpha1; plus strand). Cytogenetic location: 5q34.
Variant type: single nucleotide variant.
Coding change: c.218T>C on transcript NM_001127644.2 (MANE Select); coding-DNA position 218, T replaced by C.
Protein change: p.Phe73Ser; replaces phenylalanine 73 with serine.
Molecular consequence: missense variant.
Genome position (GRCh38, 1-based): chr5:161,865,751, T>C. VCF-style: chr5-161865751-T-C. GRCh37 (hg19) VCF-style: chr5-161292757-T-C.
Other names: c.218T>C, p.Phe73Ser (NM_000806.5, NM_001127643.2, NM_001127645.2 and 1 more transcripts); short protein forms F73S.
Identifiers: ClinVar variation 3753866 (VCV003753866.2).